The following is an entry in ClinVar:

ClinVar aggregate classification (germline): Likely pathogenic. Review status: criteria provided, multiple submitters, no conflicts (2 of 4 stars). 3 submissions from 3 submitters: Likely pathogenic (2). 1 of the submissions does not count toward it. Last evaluated 2026-01-01.

Conditions:
NBAS-related disorder. Also called: NBAS-related condition.
Infantile liver failure syndrome 2 (ILFS2). Identifiers: MedGen C3809651, MONDO:0014659, OMIM 616483.
Short stature-optic atrophy-Pelger-Huët anomaly syndrome. Also called: Short stature, optic nerve atrophy, and Pelger-Huet anomaly; Short stature-optic atrophy-Pelger-HuC+t anomaly syndrome. Identifiers: Orphanet 391677, MedGen C3541319, MONDO:0013889, OMIM 614800.

Allele frequency attached by ClinVar (database versions not stated): gnomAD 0.00001; ExAC 0.00002; gnomAD exomes 0.00002 and 0.00006; TOPMed 0.00002; ESP Exome Variant Server 0.00008.
gnomAD v4.1: 95 of 1,610,242 alleles (0.0059%); highest among the groups gnomAD compares: Non-Finnish European, 0.0077%; no homozygotes.

Submissions (3):

Labcorp Genetics (formerly Invitae), Labcorp
Classification: Likely pathogenic. Last evaluated: 2026-01-01. Review status: criteria provided, single submitter. Criteria: Invitae Variant Classification Sherloc (09022015). Collection method: clinical testing. Allele origin: germline.
Comment: This sequence change affects an acceptor splice site in intron 2 of the NBAS gene. It is expected to disrupt RNA splicing. Variants that disrupt the donor or acceptor splice site typically lead to a loss of protein function (PMID: 16199547), and loss-of-function variants in NBAS are known to be pathogenic (PMID: 26073778, 26541327, 27789416, 28031453). This variant is present in population databases (rs138546465, gnomAD 0.002%). Disruption of this splice site has been observed in individual(s) with recurrent acute liver failure (PMID: 26541327). ClinVar contains an entry for this variant (Variation ID: 1480809). Algorithms developed to predict the effect of sequence changes on RNA splicing suggest that this variant may disrupt the consensus splice site. In summary, the currently available evidence indicates that the variant is pathogenic, but additional data are needed to prove that conclusively. Therefore, this variant has been classified as Likely Pathogenic.

Fulgent Genetics
Classification: Likely pathogenic for Short stature-optic atrophy-Pelger-Huët anomaly syndrome; Infantile liver failure syndrome 2. Last evaluated: 2024-03-16. Review status: criteria provided, single submitter. Criteria: ACMG Guidelines, 2015. Collection method: clinical testing. Allele origin: germline.

PreventionGenetics, part of Exact Sciences
Classification: Likely pathogenic for NBAS-related condition. Last evaluated: 2023-12-24. Review status: no assertion criteria provided. Collection method: clinical testing. Allele origin: germline. Not counted in ClinVar's aggregate classification.
Comment: The NBAS c.173-2A>G variant is predicted to disrupt the AG splice acceptor site and interfere with normal splicing. This variant was reported in individuals with early onset acute liver failure (Staufner et al. 2016. PubMed ID: 26541327; Kortüm et al. 2017. PubMed ID: 28031453). This variant is reported in 0.0018% of alleles in individuals of European (Non-Finnish) descent in gnomAD. Variants that disrupt the consensus splice acceptor site in NBAS are expected to be pathogenic. This variant is interpreted as likely pathogenic.

Literature cited by the submitters: PubMed 16199547 (cited by Labcorp Genetics (formerly Invitae), Labcorp); PubMed 26073778 (cited by Labcorp Genetics (formerly Invitae), Labcorp); PubMed 26541327 (cited by Labcorp Genetics (formerly Invitae), Labcorp); PubMed 27789416 (cited by Labcorp Genetics (formerly Invitae), Labcorp); PubMed 28031453 (cited by Labcorp Genetics (formerly Invitae), Labcorp).

NM_015909.4(NBAS):c.173-2A>G

Gene: NBAS (NBAS subunit of NRZ tethering complex; minus strand). Cytogenetic location: 2p24.3.
Variant type: single nucleotide variant.
Coding change: c.173-2A>G on transcript NM_015909.4 (MANE Select); the canonical splice acceptor site of the intron before coding-DNA position 173, A replaced by G.
Molecular consequence: splice acceptor variant.
Genome position (GRCh38, 1-based): chr2:15,556,821, T>C on the plus strand (A>G on the coding strand, the complement: NBAS is on the minus strand). VCF-style: chr2-15556821-T-C. GRCh37 (hg19) VCF-style: chr2-15696945-T-C.
Other names: c.173-2A>G (NM_015909.3).
Identifiers: ClinVar variation 1480809 (VCV001480809.9), dbSNP rs138546465, ClinGen allele CA1537186.